The following is an entry in ClinVar:

ClinVar aggregate classification (germline): Uncertain significance. Review status: criteria provided, multiple submitters, no conflicts (2 of 4 stars). 2 submissions from 2 submitters: Uncertain significance (2). Last evaluated 2024-01-02.

Allele frequency attached by ClinVar (database versions not stated): ExAC below 0.00001; gnomAD exomes below 0.00001; gnomAD 0.00001; TOPMed 0.00002; ESP Exome Variant Server 0.00016.

Submissions (2):

GeneDx
Classification: Uncertain significance. Last evaluated: 2024-01-02. Review status: criteria provided, single submitter. Criteria: GeneDx Variant Classification Process June 2021. Collection method: clinical testing. Allele origin: germline. Affected: yes.
Comment: Not observed at significant frequency in large population cohorts (gnomAD); In silico analysis supports that this missense variant does not alter protein structure/function; Has not been previously published as pathogenic or benign to our knowledge

Ambry Genetics
Classification: Uncertain significance. Last evaluated: 2021-09-16. Review status: criteria provided, single submitter. Criteria: Ambry Variant Classification Scheme 2023. Collection method: clinical testing. Allele origin: germline.

NM_012335.4(MYO1F):c.2672G>C (p.Ser891Thr)

Gene: MYO1F (myosin IF; minus strand). Cytogenetic location: 19p13.2.
Variant type: single nucleotide variant.
Coding change: c.2672G>C on transcript NM_012335.4 (MANE Select); coding-DNA position 2672, G replaced by C.
Protein change: p.Ser891Thr; replaces serine 891 with threonine.
Molecular consequence: missense variant.
Genome position (GRCh38, 1-based): chr19:8,526,551, C>G on the plus strand (G>C on the coding strand, the complement: MYO1F is on the minus strand). VCF-style: chr19-8526551-C-G. GRCh37 (hg19) VCF-style: chr19-8591435-C-G.
Other names: c.2660G>C, p.Ser887Thr (NM_001348355.2); short protein forms S891T, S887T.
Identifiers: ClinVar variation 452795 (VCV000452795.5), dbSNP rs367667498, ClinGen allele CA9158825.